The following is an entry in ClinVar:

NM_003072.5(SMARCA4):c.1813-17G>A

Gene: SMARCA4 (SWI/SNF related BAF chromatin remodeling complex subunit ATPase 4; plus strand). Cytogenetic location: 19p13.2.
Variant type: single nucleotide variant.
Coding change: c.1813-17G>A on transcript NM_003072.5 (MANE Select); 17 bases into the intron before coding-DNA position 1813, G replaced by A.
Molecular consequence: intron variant.
Genome position (GRCh38, 1-based): chr19:11,003,012, G>A. VCF-style: chr19-11003012-G-A. GRCh37 (hg19) VCF-style: chr19-11113688-G-A.
Other names: c.1813-17G>A (NM_001128844.3, NM_001128849.3, NM_001128847.4 and 5 more transcripts).
Identifiers: ClinVar variation 1583111 (VCV001583111.11), dbSNP rs377749980, ClinGen allele CA9203915.
Genomic context (GRCh38, chr19:11,003,012, plus strand): 5'-CTTCCCACCTTGGCCTCTGTAAGTGTTTGGTCTGGAGGCCCTGCAACCTCAGTGTCACAC[G>A]AATGACTCTTTTTCAGCCTCTGGACGAGACCAGCCAGATGAGCGACCTCCCGGTGAAGGT-3'

ClinVar aggregate classification (germline): Likely benign. Review status: criteria provided, multiple submitters, no conflicts (2 of 4 stars). 3 submissions from 3 submitters: Likely benign (3). Last evaluated 2026-07-07.

Conditions:
Rhabdoid tumor predisposition syndrome 2 (RTPS2). Identifiers: Orphanet 231108, Orphanet 69077, MedGen C2750074, MONDO:0013224, OMIM 613325.

Allele frequency attached by ClinVar (database versions not stated): gnomAD exomes 0.00001 and 0.00004; gnomAD 0.00005 and 0.00004; ESP Exome Variant Server 0.00015; ExAC 0.00005; TOPMed 0.00006.
gnomAD v4.1: 24 of 1,613,770 alleles (0.0015%); highest among the groups gnomAD compares: Non-Finnish European, 0.0018%; no homozygotes.

Submissions (3):

Myriad Genetics, Inc.
Classification: Likely benign for Rhabdoid tumor predisposition syndrome 2. Last evaluated: 2026-07-07. Review status: criteria provided, single submitter. Criteria: Myriad Autosomal Dominant, Autosomal Recessive and X-Linked Classification Criteria (2023). Collection method: clinical testing. Allele origin: unknown.
Comment: This variant is considered likely benign. This variant is intronic and is not expected to impact mRNA splicing.

Labcorp Genetics (formerly Invitae), Labcorp
Classification: Likely benign for Rhabdoid tumor predisposition syndrome 2. Last evaluated: 2026-01-11. Review status: criteria provided, single submitter. Criteria: Invitae Variant Classification Sherloc (09022015). Collection method: clinical testing. Allele origin: germline.

Blueprint Genetics
Classification: Likely benign. Last evaluated: 2024-04-18. Review status: criteria provided, single submitter. Criteria: ACMG Guidelines, 2015. Collection method: clinical testing. Allele origin: germline.